The following is an entry in ClinVar:

ClinVar aggregate classification (germline): Likely benign (1 of 4 stars; one submission).

gnomAD v4.1: 99 of 1,614,180 alleles (0.0061%); highest among the groups gnomAD compares: Admixed American, 0.01%; no homozygotes.

Submission:

CeGaT Center for Human Genetics Tuebingen
Classification: Likely benign. Last evaluated: 2026-04-01. Review status: criteria provided, single submitter. Criteria: CeGaT Center For Human Genetics Tuebingen Variant Classification Criteria Version 2. Collection method: clinical testing. Allele origin: germline. Affected: yes. Observed: 1 variant allele.
Comment: MAP1B: BP4, BP7

NM_005909.5(MAP1B):c.1386G>A (p.Pro462=)

Gene: MAP1B (microtubule associated protein 1B; plus strand). Cytogenetic location: 5q13.2.
Variant type: single nucleotide variant.
Coding change: c.1386G>A on transcript NM_005909.5 (MANE Select); coding-DNA position 1386, G replaced by A.
Protein change: p.Pro462=; no amino-acid change (proline 462 retained).
Molecular consequence: synonymous variant.
Genome position (GRCh38, 1-based): chr5:72,194,741, G>A. VCF-style: chr5-72194741-G-A. GRCh37 (hg19) VCF-style: chr5-71490568-G-A.
Other names: c.1008G>A, p.Pro336= (NM_001324255.2).
Identifiers: ClinVar variation 4872749 (VCV004872749.2).